The following is an entry in ClinVar:

ClinVar aggregate classification (germline): Conflicting classifications of pathogenicity. Review status: criteria provided, conflicting classifications (1 of 4 stars). 5 submissions from 5 submitters: Uncertain significance (3); Likely benign (2). Last evaluated 2025-08-28.

Conditions:
BAP1-related tumor predisposition syndrome (TPDS1). Also called: BAP1 tumor predisposition syndrome; Tumor susceptibility linked to germline BAP1 mutations; TUMOR PREDISPOSITION SYNDROME 1; COMMON Syndrome. Identifiers: Orphanet 289539, MedGen C3280492, MONDO:0013692, OMIM 614327.
Hereditary cancer-predisposing syndrome. Also called: Neoplastic Syndromes, Hereditary; Tumor predisposition; Hereditary Cancer Syndrome; Hereditary neoplastic syndrome. Identifiers: Orphanet 140162, MedGen C0027672, MeSH D009386, MONDO:0015356.

Allele frequency attached by ClinVar (database versions not stated): gnomAD exomes below 0.00001; ExAC 0.00001.
gnomAD v4.1: 1 of 1,611,786 alleles (0.000062%); highest among the groups gnomAD compares: Non-Finnish European, 0.000085%; no homozygotes.

Submissions (5):

Labcorp Genetics (formerly Invitae), Labcorp
Classification: Uncertain significance for BAP1-related tumor predisposition syndrome. Last evaluated: 2025-08-28. Review status: criteria provided, single submitter. Criteria: Invitae Variant Classification Sherloc (09022015). Collection method: clinical testing. Allele origin: germline.
Comment: This sequence change replaces valine, which is neutral and non-polar, with phenylalanine, which is neutral and non-polar, at codon 62 of the BAP1 protein (p.Val62Phe). This variant is present in population databases (rs759957857, gnomAD 0.0009%). This variant has not been reported in the literature in individuals affected with BAP1-related conditions. ClinVar contains an entry for this variant (Variation ID: 412436). Invitae Evidence Modeling of protein sequence and biophysical properties (such as structural, functional, and spatial information, amino acid conservation, physicochemical variation, residue mobility, and thermodynamic stability) has been performed for this missense variant. However, the output from this modeling did not meet the statistical confidence thresholds required to predict the impact of this variant on BAP1 protein function. RNA analysis performed to evaluate the impact of this missense change on mRNA splicing indicates it does not significantly alter splicing (internal data). In summary, the available evidence is currently insufficient to determine the role of this variant in disease. Therefore, it has been classified as a Variant of Uncertain Significance.

Ambry Genetics
Classification: Likely benign for Hereditary cancer-predisposing syndrome. Last evaluated: 2025-08-15. Review status: criteria provided, single submitter. Criteria: Ambry Variant Classification Scheme 2023. Collection method: clinical testing. Allele origin: germline.

GeneDx
Classification: Uncertain significance. Last evaluated: 2025-04-08. Review status: criteria provided, single submitter. Criteria: GeneDx Variant Classification Process June 2021. Collection method: clinical testing. Allele origin: germline. Affected: yes.
Comment: Not observed at significant frequency in large population cohorts (gnomAD); In silico analysis indicates that this missense variant does not alter protein structure/function; This variant is associated with the following publications: (PMID: 30517737)

Color Diagnostics, LLC DBA Color Health
Classification: Likely benign for Hereditary cancer-predisposing syndrome. Last evaluated: 2024-10-29. Review status: criteria provided, single submitter. Criteria: ACMG Guidelines, 2015. Collection method: clinical testing. Allele origin: germline.

Baylor Genetics
Classification: Uncertain significance for BAP1-related tumor predisposition syndrome. Last evaluated: 2023-10-09. Review status: criteria provided, single submitter. Criteria: ACMG Guidelines, 2015. Collection method: clinical testing. Allele origin: unknown.

Literature cited by the submitters: PubMed 30517737 (cited by Ambry Genetics); PubMed 38969833 (cited by Ambry Genetics).

NM_004656.4(BAP1):c.184G>T (p.Val62Phe)

Gene: BAP1 (BRCA1 associated deubiquitinase 1; minus strand). Cytogenetic location: 3p21.1.
Variant type: single nucleotide variant.
Coding change: c.184G>T on transcript NM_004656.4 (MANE Select); coding-DNA position 184, G replaced by T.
Protein change: p.Val62Phe; replaces valine 62 with phenylalanine.
Molecular consequence: missense variant.
Genome position (GRCh38, 1-based): chr3:52,408,545, C>A on the plus strand (G>T on the coding strand, the complement: BAP1 is on the minus strand). VCF-style: chr3-52408545-C-A. GRCh37 (hg19) VCF-style: chr3-52442561-C-A.
Other names: c.184G>T (LRG_529t1); short protein forms V62F.
Identifiers: ClinVar variation 412436 (VCV000412436.18), dbSNP rs759957857, ClinGen allele CA2437165.